The following is an entry in ClinVar:

NM_001161352.2(KCNMA1):c.659C>G (p.Ala220Gly)

Gene: KCNMA1 (potassium calcium-activated channel subfamily M alpha 1; minus strand). Cytogenetic location: 10q22.3.
Variant type: single nucleotide variant.
Coding change: c.659C>G on transcript NM_001161352.2 (MANE Select); coding-DNA position 659, C replaced by G.
Protein change: p.Ala220Gly; replaces alanine 220 with glycine.
Molecular consequence: missense variant.
Genome position (GRCh38, 1-based): chr10:77,184,860, G>C on the plus strand (C>G on the coding strand, the complement: KCNMA1 is on the minus strand). VCF-style: chr10-77184860-G-C. GRCh37 (hg19) VCF-style: chr10-78944618-G-C.
Other names: NP_001154824.1:p.(Ala220Gly); c.659C>G, p.Ala220Gly (NM_001014797.3, NM_001161353.2, NM_001271519.2 and 9 more transcripts); c.497C>G, p.Ala166Gly (NM_001271518.2); c.119C>G, p.Ala40Gly (NM_001322838.2); c.791C>G, p.Ala264Gly (NM_001437422.1); short protein forms A166G, A220G, A264G, A40G.
Identifiers: ClinVar variation 4851536 (VCV004851536.1).

ClinVar aggregate classification (germline): Uncertain significance (1 of 4 stars; one submission).

Conditions:
Epileptic encephalopathy. Identifiers: MedGen C0543888, HP:0200134.

Submission:

Unidad de Genómica Garrahan, Hospital de Pediatría Garrahan
Classification: Uncertain significance for Epileptic encephalopathy. Last evaluated: 2024-01-01. Review status: criteria provided, single submitter. Criteria: ACMG Guidelines, 2015. Collection method: clinical testing. Allele origin: germline. Affected: yes. Observed: 1 variant allele.
Comment: ACMG/AMP criteria applied: PM2_supporting, PP2_supporting.